The following is an entry in ClinVar:

ClinVar aggregate classification (germline): Uncertain significance (1 of 4 stars; one submission).

Conditions:
Inborn genetic diseases. Identifiers: MedGen C0950123, MeSH D030342.

gnomAD v4.1: 11 of 1,613,688 alleles (0.00068%); highest among the groups gnomAD compares: Non-Finnish European, 0.00085%; no homozygotes.

Submission:

Ambry Genetics
Classification: Uncertain significance for Inborn genetic diseases. Last evaluated: 2025-05-02. Review status: criteria provided, single submitter. Criteria: Ambry Variant Classification Scheme 2023. Collection method: clinical testing. Allele origin: germline.
Comment: The p.G372E variant (also known as c.1115G>A), located in coding exon 9 of the CEP57 gene, results from a G to A substitution at nucleotide position 1115. The glycine at codon 372 is replaced by glutamic acid, an amino acid with similar properties. This amino acid position is conserved. In addition, the in silico prediction for this alteration is inconclusive. Based on the available evidence, the clinical significance of this variant remains unclear.

NM_014679.5(CEP57):c.1115G>A (p.Gly372Glu)

Gene: CEP57 (centrosomal protein 57; plus strand). Cytogenetic location: 11q21.
Variant type: single nucleotide variant.
Coding change: c.1115G>A on transcript NM_014679.5 (MANE Select); coding-DNA position 1115, G replaced by A.
Protein change: p.Gly372Glu; replaces glycine 372 with glutamic acid.
Molecular consequence: missense variant.
Genome position (GRCh38, 1-based): chr11:95,828,015, G>A. VCF-style: chr11-95828015-G-A. GRCh37 (hg19) VCF-style: chr11-95561179-G-A.
Other names: c.1088G>A, p.Gly363Glu (NM_001243776.2); c.1037G>A, p.Gly346Glu (NM_001243777.2); c.1034G>A, p.Gly345Glu (NM_001363604.2); short protein forms G363E, G372E, G345E, G346E.
Identifiers: ClinVar variation 4001028 (VCV004001028.1).
Genomic context (GRCh38, chr11:95,828,015, plus strand): 5'-CCTCCAACGGTATTAATGAGGAGTTGTCAGAAGTCTTACAGACTTTACAGGATGAATTTG[G>A]GCAAATGAGCTTGTGAGTTTTTGTTTTTTTTTTTAAATTCAGTTTAGCTCTAAAACCTCA-3'
Protein context (NP_055494.2, residues 362-382): EVLQTLQDEF[Gly372Glu]QMSFDHQQLA